The following is an entry in ClinVar:

ClinVar aggregate classification (germline): Likely pathogenic (1 of 4 stars; one submission).

Conditions:
Supravalvar aortic stenosis (SVAS). Also called: Supravalvar aortic stenosis, Eisenberg type. Identifiers: Orphanet 3193, MedGen C0003499, MONDO:0008504, OMIM 185500, HP:0004381.

gnomAD v4.1: 2 of 1,614,050 alleles (0.00012%); highest among the groups gnomAD compares: Admixed American, 0.0033%; no homozygotes.

Submission:

Labcorp Genetics (formerly Invitae), Labcorp
Classification: Likely pathogenic for Supravalvar aortic stenosis. Last evaluated: 2024-10-28. Review status: criteria provided, single submitter. Criteria: Invitae Variant Classification Sherloc (09022015). Collection method: clinical testing. Allele origin: germline.
Comment: This sequence change affects a donor splice site in intron 25 of the ELN gene. It is expected to disrupt RNA splicing. Variants that disrupt the donor or acceptor splice site typically lead to a loss of protein function (PMID: 16199547), and loss-of-function variants in ELN are known to be pathogenic (PMID: 11175284). This variant is present in population databases (no rsID available, gnomAD 0.006%). This variant has not been reported in the literature in individuals affected with ELN-related conditions. Algorithms developed to predict the effect of sequence changes on RNA splicing suggest that this variant may disrupt the consensus splice site. In summary, the currently available evidence indicates that the variant is pathogenic, but additional data are needed to prove that conclusively. Therefore, this variant has been classified as Likely Pathogenic.

Literature cited by the submitters: PubMed 16199547; PubMed 11175284.

NM_000501.4(ELN):c.1621+1G>C

Genes: ELN (elastin; plus strand), ELN-AS1 (ELN antisense RNA 1; minus strand). Cytogenetic location: 7q11.23.
Variant type: single nucleotide variant.
Coding change: c.1621+1G>C on transcript NM_000501.4 (MANE Select); the canonical splice donor site of the intron after coding-DNA position 1621, G replaced by C.
Molecular consequence: splice donor variant. On other transcripts: intron variant (1).
Genome position (GRCh38, 1-based): chr7:74,060,185, G>C. VCF-style: chr7-74060185-G-C. GRCh37 (hg19) VCF-style: chr7-73474515-G-C.
Other names: c.1636+1G>C (NM_001081754.3); c.1579+1G>C (NM_001081753.3); c.1708+1G>C (NM_001278939.2); c.1639+1G>C (NM_001278915.2); c.1621+1G>C (NM_001278912.2); c.1564+1G>C (NM_001081755.3); c.1477+138G>C (NM_001278916.2); c.1378+1G>C (NM_001278913.2); and 4 more.
Identifiers: ClinVar variation 3708481 (VCV003708481.2).